The following is an entry in ClinVar:

NM_012200.4(B3GAT3):c.2T>G (p.Met1Arg)

Gene: B3GAT3 (beta-1,3-glucuronyltransferase 3; minus strand). Cytogenetic location: 11q12.3.
Variant type: single nucleotide variant.
Coding change: c.2T>G on transcript NM_012200.4 (MANE Select); coding-DNA position 2, T replaced by G.
Protein change: p.Met1Arg; changes the start codon (methionine 1).
Molecular consequence: missense variant, initiator codon variant. On other transcripts: 5 prime UTR variant (1), non-coding transcript variant (1).
Genome position (GRCh38, 1-based): chr11:62,621,946, A>C on the plus strand (T>G on the coding strand, the complement: B3GAT3 is on the minus strand). VCF-style: chr11-62621946-A-C. GRCh37 (hg19) VCF-style: chr11-62389418-A-C.
Other names: c.-259T>G (NM_001288721.2); c.2T>G, p.Met1Arg (NM_001288722.2, NM_001288723.2); short protein forms M1R.
Identifiers: ClinVar variation 3706964 (VCV003706964.2).
Genomic context (GRCh38, chr11:62,621,946, plus strand): 5'-AGGAGGCCGGCGATCGACACCAGGAAGTAGGCGAGAAACACGTTCTTCAGCTTCAGCTTC[A>C]TGGCCGCGCCGCCGCCCGCGCCCGAGCAGGCGGGGTCTGCAGGGGACGAGGGGTTCCCGC-3'
Protein context (NP_036332.2, residues 1-11): [Met1Arg]KLKLKNVFLA

ClinVar aggregate classification (germline): Likely pathogenic (1 of 4 stars; one submission).

Conditions:
Larsen-like syndrome, B3GAT3 type. Also called: Multiple joint dislocations, short stature, craniofacial dysmorphism, with or without congenital heart defects; MULTIPLE JOINT DISLOCATIONS, SHORT STATURE, AND CRANIOFACIAL DYSMORPHISM WITH OR WITHOUT CONGENITAL HEART DEFECTS. Identifiers: Orphanet 284139, MedGen CN034159, MONDO:0009511, OMIM 245600.

Submission:

Labcorp Genetics (formerly Invitae), Labcorp
Classification: Likely pathogenic for Larsen-like syndrome, B3GAT3 type. Last evaluated: 2024-12-24. Review status: criteria provided, single submitter. Criteria: Invitae Variant Classification Sherloc (09022015). Collection method: clinical testing. Allele origin: germline.
Comment: This sequence change affects the initiator methionine of the B3GAT3 mRNA. The next in-frame methionine is located at codon 207. This variant is present in population databases (no rsID available, gnomAD 0.007%). Disruption of the initiator codon has been observed in individual(s) with B3GAT3-related conditions (PMID: 27871226). It has also been observed to segregate with disease in related individuals. This variant disrupts a region of the B3GAT3 protein in which other variant(s) (p.Arg161Trp) have been observed in individuals with B3GAT3-related conditions (PMID: 31438591). This suggests that this is a clinically significant region of the protein, and that variants that disrupt it are likely to be disease-causing. In summary, the currently available evidence indicates that the variant is pathogenic, but additional data are needed to prove that conclusively. Therefore, this variant has been classified as Likely Pathogenic.

Literature cited by the submitters: PubMed 27871226; PubMed 31438591.